The following is an entry in ClinVar:

NC_000002.11:g.(?_1520635)_(1520774_?)dup

Gene: TPO (thyroid peroxidase; plus strand). Cytogenetic location: 2p25.3.
Variant type: Duplication.
Identifiers: ClinVar variation 3247468 (VCV003247468.1).

ClinVar aggregate classification (germline): Likely pathogenic (1 of 4 stars; one submission).

Submission:

Labcorp Genetics (formerly Invitae), Labcorp
Classification: Likely pathogenic. Last evaluated: 2023-07-27. Review status: criteria provided, single submitter. Criteria: Invitae Variant Classification Sherloc (09022015). Collection method: clinical testing. Allele origin: unknown.
Comment: This variant results in a copy number gain of the genomic region encompassing exon(s) 15 of the TPO gene. While the exact position of this variant cannot be determined from the data, sub-genic copy number gains are generally in tandem (PMID: 25640679). This variant is predicted to be out-of-frame, and may result in an absent or disrupted protein product. Loss-of-function variants in TPO are known to be pathogenic (PMID: 11061528, 23236987, 25564141). In summary, the currently available evidence indicates that the variant is pathogenic, but additional data are needed to prove that conclusively. Therefore, this variant has been classified as Likely Pathogenic. This variant has not been reported in the literature in individuals affected with TPO-related conditions.

Literature cited by the submitters: PubMed 25640679; PubMed 11061528; PubMed 23236987; PubMed 25564141.